The following is an entry in ClinVar:

NM_020297.4(ABCC9):c.3674A>G (p.Tyr1225Cys)

Genes: ABCC9 (ATP binding cassette subfamily C member 9; minus strand), KCNJ8-AS1 (KCNJ8 antisense RNA 1; plus strand). Cytogenetic location: 12p12.1.
Variant type: single nucleotide variant.
Coding change: c.3674A>G on transcript NM_020297.4 (MANE Select); coding-DNA position 3674, A replaced by G.
Protein change: p.Tyr1225Cys; replaces tyrosine 1225 with cysteine.
Molecular consequence: missense variant.
Genome position (GRCh38, 1-based): chr12:21,818,247, T>C on the plus strand (A>G on the coding strand, the complement: ABCC9 is on the minus strand). VCF-style: chr12-21818247-T-C. GRCh37 (hg19) VCF-style: chr12-21971181-T-C.
Other names: c.3674A>G, p.Tyr1225Cys (NM_001377273.1, NM_005691.4); c.2807A>G, p.Tyr936Cys (NM_001377274.1); short protein forms Y1225C, Y936C.
Identifiers: ClinVar variation 1686418 (VCV001686418.4), dbSNP rs200876028, ClinGen allele CA6481048.

ClinVar aggregate classification (germline): Uncertain significance. Review status: criteria provided, multiple submitters, no conflicts (2 of 4 stars). 2 submissions from 2 submitters: Uncertain significance (2). Last evaluated 2025-12-31.

Conditions:
Dilated cardiomyopathy 1O (CMD1O). Also called: CARDIOMYOPATHY, DILATED, WITH VENTRICULAR TACHYCARDIA. Identifiers: Orphanet 154, MedGen C1837839, MONDO:0012062, OMIM 608569.

Allele frequency attached by ClinVar (database versions not stated): gnomAD exomes 0.00001; ExAC 0.00001; gnomAD 0.00001; 1000 Genomes Project 30x 0.00016.
gnomAD v4.1: 4 of 1,613,440 alleles (0.00025%); highest among the groups gnomAD compares: African/African-American, 0.0013%; no homozygotes.

Submissions (2):

Labcorp Genetics (formerly Invitae), Labcorp
Classification: Uncertain significance for Dilated cardiomyopathy 1O. Last evaluated: 2025-12-31. Review status: criteria provided, single submitter. Criteria: Invitae Variant Classification Sherloc (09022015). Collection method: clinical testing. Allele origin: germline.
Comment: This sequence change replaces tyrosine, which is neutral and polar, with cysteine, which is neutral and slightly polar, at codon 1225 of the ABCC9 protein (p.Tyr1225Cys). This variant is present in population databases (rs200876028, gnomAD 0.007%). This variant has not been reported in the literature in individuals affected with ABCC9-related conditions. ClinVar contains an entry for this variant (Variation ID: 1686418). Invitae Evidence Modeling of protein sequence and biophysical properties (such as structural, functional, and spatial information, amino acid conservation, physicochemical variation, residue mobility, and thermodynamic stability) indicates that this missense variant is expected to disrupt ABCC9 protein function with a positive predictive value of 95%. In summary, the available evidence is currently insufficient to determine the role of this variant in disease. Therefore, it has been classified as a Variant of Uncertain Significance.

Mendelics
Classification: Uncertain significance. Last evaluated: 2022-05-04. Review status: criteria provided, single submitter. Criteria: Mendelics Assertion Criteria 2019. Collection method: clinical testing. Allele origin: germline.